The following is an entry in ClinVar:

NM_003107.3(SOX4):c.967G>A (p.Gly323Ser)

Genes: SOX4 (SRY-box transcription factor 4; plus strand), LOC129995966 (ATAC-STARR-seq lymphoblastoid silent region 16986; plus strand). Cytogenetic location: 6p22.3.
Variant type: single nucleotide variant.
Coding change: c.967G>A on transcript NM_003107.3 (MANE Select); coding-DNA position 967, G replaced by A.
Protein change: p.Gly323Ser; replaces glycine 323 with serine.
Molecular consequence: missense variant.
Genome position (GRCh38, 1-based): chr6:21,595,501, G>A. VCF-style: chr6-21595501-G-A. GRCh37 (hg19) VCF-style: chr6-21595732-G-A.
Other names: short protein forms G323S.
Identifiers: ClinVar variation 2504759 (VCV002504759.1), dbSNP rs2532641117, ClinGen allele CA363271675.

ClinVar aggregate classification (germline): Uncertain significance (1 of 4 stars; one submission).

Submission:

GeneDx
Classification: Uncertain significance. Last evaluated: 2022-12-12. Review status: criteria provided, single submitter. Criteria: GeneDx Variant Classification Process June 2021. Collection method: clinical testing. Allele origin: germline. Affected: yes.
Comment: Not observed at significant frequency in large population cohorts (gnomAD); In silico analysis supports that this missense variant does not alter protein structure/function; Has not been previously published as pathogenic or benign to our knowledge